The following is an entry in ClinVar:

ClinVar aggregate classification (germline): Uncertain significance (1 of 4 stars; one submission).

Conditions:
Hereditary cancer-predisposing syndrome. Also called: Neoplastic Syndromes, Hereditary; Tumor predisposition; Hereditary Cancer Syndrome; Hereditary neoplastic syndrome. Identifiers: Orphanet 140162, MedGen C0027672, MeSH D009386, MONDO:0015356.

Submission:

Ambry Genetics
Classification: Uncertain significance for Hereditary cancer-predisposing syndrome. Last evaluated: 2022-04-28. Review status: criteria provided, single submitter. Criteria: Ambry Variant Classification Scheme 2023. Collection method: clinical testing. Allele origin: germline.
Comment: The p.T71I variant (also known as c.212C>T), located in coding exon 2 of the DICER1 gene, results from a C to T substitution at nucleotide position 212. The threonine at codon 71 is replaced by isoleucine, an amino acid with similar properties. This amino acid position is well conserved in available vertebrate species. In addition, this alteration is predicted to be deleterious by in silico analysis. Since supporting evidence is limited at this time, the clinical significance of this alteration remains unclear.

NM_177438.3(DICER1):c.212C>T (p.Thr71Ile)

Gene: DICER1 (dicer 1, ribonuclease III; minus strand). Cytogenetic location: 14q32.13.
Variant type: single nucleotide variant.
Coding change: c.212C>T on transcript NM_177438.3 (MANE Select); coding-DNA position 212, C replaced by T.
Protein change: p.Thr71Ile; replaces threonine 71 with isoleucine.
Molecular consequence: missense variant. On other transcripts: 5 prime UTR variant (9), non-coding transcript variant (6).
Genome position (GRCh38, 1-based): chr14:95,132,610, G>A on the plus strand (C>T on the coding strand, the complement: DICER1 is on the minus strand). VCF-style: chr14-95132610-G-A. GRCh37 (hg19) VCF-style: chr14-95598947-G-A.
Other names: c.212C>T, p.Thr71Ile (NM_001195573.1, NM_001271282.3, NM_001291628.2 and 15 more transcripts); c.-63C>T (NM_001395686.1, NM_001395687.1, NM_001395688.1 and 4 more transcripts); c.-247C>T (NM_001395691.1); c.-1357C>T (NM_001395697.1); short protein forms T71I.
Identifiers: ClinVar variation 1786376 (VCV001786376.2), dbSNP rs376657431, ClinGen allele CA390889959.